The following is an entry in ClinVar:

NM_007294.4(BRCA1):c.134+224del

Gene: BRCA1 (BRCA1 DNA repair associated; minus strand). Cytogenetic location: 17q21.31.
Variant type: Deletion.
Coding change: c.134+224del on transcript NM_007294.4 (MANE Select); 224 bases into the intron after coding-DNA position 134, one base deleted (T; older notation c.134+224delT).
Molecular consequence: intron variant.
Genome position (GRCh38, 1-based): chr17:43,115,502, A deleted on the plus strand (T on the coding strand, the reverse complement: BRCA1 is on the minus strand); the first of 15 consecutive A bases (chr17:43,115,502-43,115,516); deleting any one gives the same sequence. VCF-style (leftmost placement, unchanged base first): chr17-43115501-CA-C. GRCh37 (hg19) VCF-style: chr17-41267518-CA-C.
Other names: c.-8+224del (NM_001408458.1, NM_001408470.1, NM_001407848.1 and 47 more transcripts); c.-219+9775del (NM_001407967.1); c.-170+9775del (NM_001407959.1); c.-7-8969del (NM_001407931.1, NM_001407747.1, NM_001408511.1 and 2 more transcripts); c.-170+224del (NM_001407962.1, NM_001408512.1, NM_001408510.1 and 1 more transcripts); c.-55+224del (NM_001407885.1, NM_001407886.1, NM_001408509.1 and 52 more transcripts); c.-124+224del (NM_001407746.1, NM_001408468.1, NM_001407842.1 and 13 more transcripts); c.-8+8515del (NM_001408461.1, NM_001407738.1, NM_001407932.1 and 23 more transcripts); and 10 more.
Identifiers: ClinVar variation 264828 (VCV000264828.3), dbSNP rs35149296, ClinGen allele CA10588255.

ClinVar aggregate classification (germline): Benign. Review status: reviewed by expert panel (3 of 4 stars). 2 submissions from 2 submitters: Benign (1). 1 of the submissions does not count toward it. Last evaluated 2016-09-28.

Conditions:
Breast-ovarian cancer, familial, susceptibility to, 1 (BROVCA1). Also called: BRCA1 Hereditary Breast and Ovarian Cancer; OVARIAN CANCER, SUSCEPTIBILITY TO. Identifiers: Orphanet 145, MedGen C2676676, MONDO:0011450, OMIM 604370. Disease mechanism: loss of function.

Submissions (2):

Evidence-based Network for the Interpretation of Germline Mutant Alleles (ENIGMA)
Classification: Benign for Breast-ovarian cancer, familial, susceptibility to, 1. Last evaluated: 2016-09-28. Review status: reviewed by expert panel. Criteria: ENIGMA BRCA1/2 Classification Criteria (2015). Collection method: curation. Allele origin: germline.
Comment: Class 1 not pathogenic based on frequency >1% in an outbred sampleset. Frequency 0.4254 (European), 0.3328 (African), 0.4352 (Admixed American/Latino), 0.4544 (East Asian), 0.5225 (South Asian), derived from 1000 genomes (2013-05-02).

GeneDx
Classification: Benign. Last evaluated: 2019-08-15. Review status: criteria provided, single submitter. Criteria: GeneDx Variant Classification Process June 2021. Collection method: clinical testing. Allele origin: germline. Affected: yes. Not counted in ClinVar's aggregate classification.